The following is an entry in ClinVar:

ClinVar aggregate classification (germline): Likely pathogenic (1 of 4 stars; one submission).

Conditions:
Anophthalmia-microphthalmia syndrome. Also called: Anophthalmia/Microphthalmia; Anophthalmia - microphthalmia. Identifiers: Orphanet 98555, MedGen C5680330, MONDO:0020147.

Submission:

Labcorp Genetics (formerly Invitae), Labcorp
Classification: Likely pathogenic for Anophthalmia-microphthalmia syndrome. Last evaluated: 2019-05-13. Review status: criteria provided, single submitter. Criteria: Invitae Variant Classification Sherloc (09022015). Collection method: clinical testing. Allele origin: germline.
Comment: In summary, the currently available evidence indicates that the variant is pathogenic, but additional data are needed to prove that conclusively. Therefore, this variant has been classified as Likely Pathogenic. Algorithms developed to predict the effect of missense changes on protein structure and function are either unavailable or do not agree on the potential impact of this missense change (SIFT: "Deleterious"; PolyPhen-2: "Benign"; Align-GVGD: "Class C65"). This variant is not present in population databases (ExAC no frequency). This sequence change replaces alanine with serine at codon 236 of the OTX2 protein (p.Ala236Ser). The alanine residue is highly conserved and there is a moderate physicochemical difference between alanine and serine.

NM_021728.4(OTX2):c.730G>T (p.Ala244Ser)

Gene: OTX2 (orthodenticle homeobox 2; minus strand). Cytogenetic location: 14q22.3.
Variant type: single nucleotide variant.
Coding change: c.730G>T on transcript NM_021728.4 (MANE Select); coding-DNA position 730, G replaced by T.
Protein change: p.Ala244Ser; replaces alanine 244 with serine.
Molecular consequence: missense variant. On other transcripts: non-coding transcript variant (2).
Genome position (GRCh38, 1-based): chr14:56,801,899, C>A on the plus strand (G>T on the coding strand, the complement: OTX2 is on the minus strand). VCF-style: chr14-56801899-C-A. GRCh37 (hg19) VCF-style: chr14-57268617-C-A.
Other names: c.706G>T, p.Ala236Ser (NM_001270523.2, NM_001270524.2, NM_172337.3); c.730G>T, p.Ala244Ser (NM_001270525.2); short protein forms A236S, A244S.
Identifiers: ClinVar variation 641871 (VCV000641871.11), dbSNP rs1594952158, ClinGen allele CA390051243.